The following is an entry in ClinVar:

ClinVar aggregate classification (germline): Pathogenic (1 of 4 stars; one submission).

Conditions:
Marfan syndrome (MFS). Also called: MARFAN SYNDROME, TYPE I; Marfan syndrome type 1; Marfan's syndrome; Marfan syndrome, classic; FBN1-Related Marfan Syndrome. Identifiers: Orphanet 284963, Orphanet 558, MedGen C0024796, MONDO:0007947, OMIM 154700.
Familial thoracic aortic aneurysm and aortic dissection (TAAD). Also called: Thoracic aortic aneurysms and dissections. Identifiers: Orphanet 91387, MedGen C4707243, MONDO:0019625.

Submission:

Labcorp Genetics (formerly Invitae), Labcorp
Classification: Pathogenic for Marfan syndrome; Familial thoracic aortic aneurysm and aortic dissection. Last evaluated: 2024-12-28. Review status: criteria provided, single submitter. Criteria: Invitae Variant Classification Sherloc (09022015). Collection method: clinical testing. Allele origin: germline.
Comment: This sequence change creates a premature translational stop signal (p.Gly646Trpfs*73) in the FBN1 gene. It is expected to result in an absent or disrupted protein product. Loss-of-function variants in FBN1 are known to be pathogenic (PMID: 17657824, 19293843). This variant is not present in population databases (gnomAD no frequency). This variant has not been reported in the literature in individuals affected with FBN1-related conditions. For these reasons, this variant has been classified as Pathogenic.

Literature cited by the submitters: PubMed 17657824; PubMed 19293843.

NM_000138.5(FBN1):c.1934_1935insCT (p.Gly646fs)

Gene: FBN1 (fibrillin 1; minus strand). Cytogenetic location: 15q21.1.
Variant type: Insertion.
Coding change: c.1934_1935insCT on transcript NM_000138.5 (MANE Select); coding-DNA positions 1934 to 1935, CT inserted.
Protein change: p.Gly646fs; shifts the reading frame from glycine 646.
Molecular consequence: frameshift variant.
Genome position: GRCh38 VCF-style: chr15-48505050-C-CAG. GRCh37 (hg19) VCF-style: chr15-48797247-C-CAG.
Other names: c.1934_1935insCT, p.Gly646fs (NM_001406716.1); short protein forms G646fs.
Identifiers: ClinVar variation 3760194 (VCV003760194.2).
Genomic context (GRCh38, chr15:48,505,050, plus strand): 5'-CCTCTCTCATAAGGTTAGCCATGATGTTTTCTTACCAACACACACACGGCCATCCAGACC[C>CAG]ACAGCCAGTCCAGGGAAGCATTCACATCTGTAGGAGCCATCAGTGTTGACGCAACGCCCA-3'